The following is an entry in ClinVar:

ClinVar aggregate classification (germline): Conflicting classifications of pathogenicity. Review status: criteria provided, conflicting classifications (1 of 4 stars). 2 submissions from 2 submitters: Uncertain significance (1); Likely benign (1). Last evaluated 2025-07-21.

Conditions:
Hereditary cancer-predisposing syndrome. Also called: Neoplastic Syndromes, Hereditary; Hereditary Cancer Syndrome; Hereditary neoplastic syndrome; Tumor predisposition. Identifiers: Orphanet 140162, MedGen C0027672, MeSH D009386, MONDO:0015356.
Multiple endocrine neoplasia, type 1 (MEN1). Also called: MEN I; WERMER SYNDROME; Endocrine adenomatosis multiple; MEN 1; MEA I. Identifiers: Orphanet 652, MedGen C0025267, MeSH D018761, MONDO:0007540, OMIM 131100.

Submissions (2):

Labcorp Genetics (formerly Invitae), Labcorp
Classification: Likely benign for Multiple endocrine neoplasia, type 1. Last evaluated: 2025-07-21. Review status: criteria provided, single submitter. Criteria: Invitae Variant Classification Sherloc (09022015). Collection method: clinical testing. Allele origin: germline.

Ambry Genetics
Classification: Uncertain significance for Hereditary cancer-predisposing syndrome. Last evaluated: 2022-12-01. Review status: criteria provided, single submitter. Criteria: Ambry Variant Classification Scheme 2023. Collection method: clinical testing. Allele origin: germline.
Comment: The c.655-5C>A intronic variant results from a C to A substitution 5 nucleotides upstream from coding exon 3 in the MEN1 gene. This nucleotide position is not well conserved in available vertebrate species. In silico splice site analysis predicts that this alteration will not have any significant effect on splicing; however, direct evidence is insufficient at this time (Ambry internal data). Since supporting evidence is limited at this time, the clinical significance of this alteration remains unclear.

NM_001370259.2(MEN1):c.655-5C>A

Gene: MEN1 (menin 1; minus strand). Cytogenetic location: 11q13.1.
Variant type: single nucleotide variant.
Coding change: c.655-5C>A on transcript NM_001370259.2 (MANE Select); 5 bases into the intron before coding-DNA position 655, C replaced by A.
Molecular consequence: intron variant.
Genome position (GRCh38, 1-based): chr11:64,807,685, G>T on the plus strand (C>A on the coding strand, the complement: MEN1 is on the minus strand). VCF-style: chr11-64807685-G-T. GRCh37 (hg19) VCF-style: chr11-64575157-G-T.
Other names: c.670-5C>A (NM_130804.3, NM_130803.3, NM_000244.4 and 3 more transcripts); c.655-5C>A (NM_001370260.2, NM_001370251.2, NM_130799.3 and 1 more transcripts); c.550-5C>A (NM_001370263.2, NM_001370262.2).
Identifiers: ClinVar variation 826483 (VCV000826483.14), dbSNP rs752563214, ClinGen allele CA915948186.